The following is an entry in ClinVar:

NM_004006.3(DMD):c.2363T>C (p.Val788Ala)

Gene: DMD (dystrophin; minus strand). Cytogenetic location: Xp21.1.
Variant type: single nucleotide variant.
Coding change: c.2363T>C on transcript NM_004006.3 (MANE Select); coding-DNA position 2363, T replaced by C.
Protein change: p.Val788Ala; replaces valine 788 with alanine.
Molecular consequence: missense variant.
Genome position (GRCh38, 1-based): chrX:32,501,772, A>G on the plus strand (T>C on the coding strand, the complement: DMD is on the minus strand). VCF-style: chrX-32501772-A-G. GRCh37 (hg19) VCF-style: chrX-32519889-A-G.
Other names: c.2339T>C, p.Val780Ala (NM_000109.4); c.2351T>C, p.Val784Ala (NM_004009.3); c.1994T>C, p.Val665Ala (NM_004010.3); short protein forms V780A, V784A, V788A, V665A.
Identifiers: ClinVar variation 1389155 (VCV001389155.6), dbSNP rs1603634972, ClinGen allele CA412673583.

ClinVar aggregate classification (germline): Uncertain significance (1 of 4 stars; one submission).

Conditions:
Duchenne muscular dystrophy (DMD). Also called: MUSCULAR DYSTROPHY, PSEUDOHYPERTROPHIC PROGRESSIVE, DUCHENNE TYPE; Duchenne Muscular Dystrophy (DMD). Identifiers: Orphanet 98896, MedGen C0013264, MONDO:0010679, OMIM 310200.

Allele frequency attached by ClinVar (database versions not stated): gnomAD exomes below 0.00001; TOPMed below 0.00001.
gnomAD v4.1: 2 of 1,208,791 alleles (0.00017%); highest among the groups gnomAD compares: African/African-American, 0.0035%; no homozygotes.

Submission:

Labcorp Genetics (formerly Invitae), Labcorp
Classification: Uncertain significance for Duchenne muscular dystrophy. Last evaluated: 2025-04-23. Review status: criteria provided, single submitter. Criteria: Invitae Variant Classification Sherloc (09022015). Collection method: clinical testing. Allele origin: germline.
Comment: This sequence change replaces valine, which is neutral and non-polar, with alanine, which is neutral and non-polar, at codon 788 of the DMD protein (p.Val788Ala). This variant is not present in population databases (gnomAD no frequency). This variant has not been reported in the literature in individuals affected with DMD-related conditions. ClinVar contains an entry for this variant (Variation ID: 1389155). Invitae Evidence Modeling of protein sequence and biophysical properties (such as structural, functional, and spatial information, amino acid conservation, physicochemical variation, residue mobility, and thermodynamic stability) indicates that this missense variant is not expected to disrupt DMD protein function with a negative predictive value of 95%. In summary, the available evidence is currently insufficient to determine the role of this variant in disease. Therefore, it has been classified as a Variant of Uncertain Significance.